The following is an entry in ClinVar:

NM_001077525.3(MTMR14):c.965-13G>A

Gene: MTMR14 (myotubularin related protein 14; plus strand). Cytogenetic location: 3p25.3.
Variant type: single nucleotide variant.
Coding change: c.965-13G>A on transcript NM_001077525.3 (MANE Select); 13 bases into the intron before coding-DNA position 965, G replaced by A.
Molecular consequence: intron variant.
Genome position (GRCh38, 1-based): chr3:9,684,572, G>A. VCF-style: chr3-9684572-G-A. GRCh37 (hg19) VCF-style: chr3-9726256-G-A.
Other names: c.1034-13G>A (NM_001400518.1, NM_001400521.1); c.959-13G>A (NM_001400526.1); c.323-13G>A (NM_001400542.1, NM_001400534.1, NM_001400541.1 and 7 more transcripts); c.965-13G>A (NM_001077526.3, NM_022485.5); c.890-13G>A (NM_001400520.1, NM_001400523.1, NM_001400528.1); c.104-13G>A (NM_001400547.1, NM_001400548.1, NM_001400544.1 and 1 more transcripts); c.962-13G>A (NM_001400519.1, NM_001400522.1); c.248-13G>A (NM_001400538.1, NM_001400549.1); and 5 more.
Identifiers: ClinVar variation 2041163 (VCV002041163.4), dbSNP rs747013075, ClinGen allele CA2240549.

ClinVar aggregate classification (germline): Uncertain significance (1 of 4 stars; one submission).

Allele frequency attached by ClinVar (database versions not stated): ExAC 0.00002.
gnomAD v4.1: 5 of 1,613,922 alleles (0.00031%); highest among the groups gnomAD compares: East Asian, 0.0022%; no homozygotes.

Submission:

Labcorp Genetics (formerly Invitae), Labcorp
Classification: Uncertain significance. Last evaluated: 2022-11-08. Review status: criteria provided, single submitter. Criteria: Invitae Variant Classification Sherloc (09022015). Collection method: clinical testing. Allele origin: germline.
Comment: This sequence change falls in intron 10 of the MTMR14 gene. It does not directly change the encoded amino acid sequence of the MTMR14 protein. This variant is present in population databases (rs747013075, gnomAD 0.006%). This variant has not been reported in the literature in individuals affected with MTMR14-related conditions. Algorithms developed to predict the effect of sequence changes on RNA splicing suggest that this variant may create or strengthen a splice site. In summary, the available evidence is currently insufficient to determine the role of this variant in disease. Therefore, it has been classified as a Variant of Uncertain Significance.